The following is an entry in ClinVar:

NM_002693.3(POLG):c.772del (p.Gln258fs)

Gene: POLG (DNA polymerase gamma, catalytic subunit; minus strand). Cytogenetic location: 15q26.1.
Variant type: Deletion.
Coding change: c.772del on transcript NM_002693.3 (MANE Select); coding-DNA position 772, one base deleted (C; older notation c.772delC).
Protein change: p.Gln258fs; shifts the reading frame from glutamine 258.
Molecular consequence: frameshift variant.
Genome position (GRCh38, 1-based): chr15:89,330,164, G deleted on the plus strand (C on the coding strand, the reverse complement: POLG is on the minus strand); the first of 3 consecutive G bases (chr15:89,330,164-89,330,166); deleting any one gives the same sequence. VCF-style (leftmost placement, unchanged base first): chr15-89330163-TG-T. GRCh37 (hg19) VCF-style: chr15-89873394-TG-T.
Other names: c.772del, p.Gln258fs (NM_001126131.2); short protein forms Q258fs.
Identifiers: ClinVar variation 5013863 (VCV005013863.1).

ClinVar aggregate classification (germline): Pathogenic (1 of 4 stars; one submission).

Conditions:
POLG-related disorder. Also called: POLG-Related Spectrum Disorders; POLG-related condition; POLG-Related Disorders. Identifiers: MedGen C4763519.

Submission:

Myriad Genetics, Inc.
Classification: Pathogenic for POLG-related disorder. Last evaluated: 2024-12-15. Review status: criteria provided, single submitter. Criteria: Myriad Autosomal Dominant, Autosomal Recessive and X-Linked Classification Criteria (2023). Collection method: clinical testing. Allele origin: unknown.
Comment: NM_002693.2(POLG):c.772delC(Q258Rfs*8) is expected to be pathogenic in the context of POLG-related disorders. This variant is predicted to lead to an abnormal or absent protein product due to the creation of a premature termination codon in POLG, a gene where loss-of-function variants are known to be pathogenic. Please note: this variant was assessed in the context of healthy population screening.